The following is an entry in ClinVar:

ClinVar aggregate classification (germline): Likely benign. Review status: criteria provided, multiple submitters, no conflicts (2 of 4 stars). 2 submissions from 2 submitters: Likely benign (2). Last evaluated 2024-10-16.

Allele frequency attached by ClinVar (database versions not stated): TOPMed 0.00009; gnomAD exomes 0.00015 and 0.00019; ExAC 0.00021; gnomAD 0.00011 and 0.00013.
gnomAD v4.1: 247 of 1,613,880 alleles (0.015%); highest among the groups gnomAD compares: Middle Eastern, 0.23%; 1 homozygote.

Submissions (2):

Labcorp Genetics (formerly Invitae), Labcorp
Classification: Likely benign. Last evaluated: 2024-10-16. Review status: criteria provided, single submitter. Criteria: Invitae Variant Classification Sherloc (09022015). Collection method: clinical testing. Allele origin: germline.

GeneDx
Classification: Likely benign. Last evaluated: 2018-03-09. Review status: criteria provided, single submitter. Criteria: GeneDx Variant Classification (06012015). Collection method: clinical testing. Allele origin: germline. Affected: yes.
Comment: This variant is considered likely benign or benign based on one or more of the following criteria: it is a conservative change, it occurs at a poorly conserved position in the protein, it is predicted to be benign by multiple in silico algorithms, and/or has population frequency not consistent with disease.

NM_018838.5(NDUFA12):c.63A>G (p.Arg21=)

Gene: NDUFA12 (NADH:ubiquinone oxidoreductase subunit A12; minus strand). Cytogenetic location: 12q22.
Variant type: single nucleotide variant.
Coding change: c.63A>G on transcript NM_018838.5 (MANE Select); coding-DNA position 63, A replaced by G.
Protein change: p.Arg21=; no amino-acid change (arginine 21 retained).
Molecular consequence: synonymous variant.
Genome position (GRCh38, 1-based): chr12:95,003,618, T>C on the plus strand (A>G on the coding strand, the complement: NDUFA12 is on the minus strand). VCF-style: chr12-95003618-T-C. GRCh37 (hg19) VCF-style: chr12-95397394-T-C.
Other names: c.63A>G, p.Arg21= (NM_001258338.2).
Identifiers: ClinVar variation 515734 (VCV000515734.8), dbSNP rs760198408, ClinGen allele CA6722650.
Genomic context (GRCh38, chr12:95,003,618, plus strand): 5'-AGCCCCAGAGGCCAAGAGCATGGCTCTGGCCGCCTACCTGAAAAAAACCCGTAGATAGCC[T>C]CGGAGACCGCCGTGGCCGGTGATCTGCTGCAGCCCGCGTTTCAGGACCTGCACTAACTCC-3'
Protein context (NP_061326.1, residues 11-31): LQQITGHGGL[Arg21=]GYLRVFFRTN